The following is an entry in ClinVar:

ClinVar aggregate classification (germline): Uncertain significance. Review status: criteria provided, multiple submitters, no conflicts (2 of 4 stars). 2 submissions from 2 submitters: Uncertain significance (2). Last evaluated 2025-05-29.

Conditions:
SEMA3E-related disorder. Also called: SEMA3E-related condition.
CHARGE syndrome (CHARGE). Also called: Hittner Hirsch Kreh syndrome; CHARGE ASSOCIATION--COLOBOMA, HEART ANOMALY, CHOANAL ATRESIA, RETARDATION, GENITAL AND EAR ANOMALIES; Coloboma, heart anomaly, choanal atresia, retardation, genital and ear anomalies; CHARGE association; Hall-Hittner syndrome. Identifiers: Orphanet 138, MedGen C0265354, MONDO:0008965.

Allele frequency attached by ClinVar (database versions not stated): gnomAD 0.00002.
gnomAD v4.1: 7 of 1,613,652 alleles (0.00043%); highest among the groups gnomAD compares: Admixed American, 0.0017%; no homozygotes.

Submissions (2):

PreventionGenetics, part of Exact Sciences
Classification: Uncertain significance for SEMA3E-related condition. Last evaluated: 2025-05-29. Review status: criteria provided, single submitter. Criteria: ACMG Guidelines, 2015. Collection method: clinical testing. Allele origin: germline.
Comment: The SEMA3E c.638G>A variant is predicted to result in the amino acid substitution p.Arg213His. To our knowledge, this variant has not been reported in the literature. This variant is reported in 0.0028% of alleles in individuals of Latino descent in gnomAD. At this time, the clinical significance of this variant is uncertain due to the absence of conclusive functional and genetic evidence.

Labcorp Genetics (formerly Invitae), Labcorp
Classification: Uncertain significance for CHARGE syndrome. Last evaluated: 2021-12-19. Review status: criteria provided, single submitter. Criteria: Invitae Variant Classification Sherloc (09022015). Collection method: clinical testing. Allele origin: germline.
Comment: This variant is present in population databases (no rsID available, gnomAD 0.003%). In summary, the available evidence is currently insufficient to determine the role of this variant in disease. Therefore, it has been classified as a Variant of Uncertain Significance. Algorithms developed to predict the effect of missense changes on protein structure and function are either unavailable or do not agree on the potential impact of this missense change (SIFT: "Deleterious"; PolyPhen-2: "Probably Damaging"; Align-GVGD: "Class C0"). This variant has not been reported in the literature in individuals affected with SEMA3E-related conditions. This sequence change replaces arginine, which is basic and polar, with histidine, which is basic and polar, at codon 213 of the SEMA3E protein (p.Arg213His).

NM_012431.3(SEMA3E):c.638G>A (p.Arg213His)

Gene: SEMA3E (semaphorin 3E; minus strand). Cytogenetic location: 7q21.11.
Variant type: single nucleotide variant.
Coding change: c.638G>A on transcript NM_012431.3 (MANE Select); coding-DNA position 638, G replaced by A.
Protein change: p.Arg213His; replaces arginine 213 with histidine.
Molecular consequence: missense variant.
Genome position (GRCh38, 1-based): chr7:83,408,400, C>T on the plus strand (G>A on the coding strand, the complement: SEMA3E is on the minus strand). VCF-style: chr7-83408400-C-T. GRCh37 (hg19) VCF-style: chr7-83037716-C-T.
Other names: c.458G>A, p.Arg153His (NM_001178129.2); c.638G>A (NM_012431.2); short protein forms R153H, R213H.
Identifiers: ClinVar variation 2145711 (VCV002145711.5), dbSNP rs1017885119, ClinGen allele CA161171825.
Genomic context (GRCh38, chr7:83,408,400, plus strand): 5'-ATTCACATACTCTTTTCCTCATCCTTACCTTTCAACAGACGCTCATCGTCATGCTCAGTG[C>T]GGATATGGGCCAGTCGCCCCATGCTGCGGAAGATCGCAGCGTCTCTGCTCCAGTAGTCAC-3'
Protein context (NP_036563.1, residues 203-223): FRSMGRLAHI[Arg213His]TEHDDERLLK